The following is an entry in ClinVar:

ClinVar aggregate classification (germline): Uncertain significance. Review status: criteria provided, multiple submitters, no conflicts (2 of 4 stars). 7 submissions from 7 submitters: Uncertain significance (6). 1 of the submissions does not count toward it. Last evaluated 2024-11-07.

Conditions:
Cystic fibrosis (CF). Also called: MUCOVISCIDOSIS. Identifiers: Orphanet 586, MedGen C0010674, MONDO:0009061, OMIM 219700. Disease mechanism: loss of function.
CFTR-related disorder (CFTR-RD). Also called: CFTR-related disorders; CFTR-related condition. Identifiers: MedGen C5924204, MONDO:7770004.

Allele frequency attached by ClinVar (database versions not stated): gnomAD exomes below 0.00001; ExAC 0.00001; TOPMed 0.00001.
gnomAD v4.1: 3 of 1,614,102 alleles (0.00019%); highest among the groups gnomAD compares: Non-Finnish European, 0.00025%; no homozygotes.

Submissions (7):

PreventionGenetics, part of Exact Sciences
Classification: Uncertain significance for CFTR-related condition. Last evaluated: 2024-11-07. Review status: criteria provided, single submitter. Criteria: ACMG Guidelines, 2015. Collection method: clinical testing. Allele origin: germline.
Comment: The CFTR c.2777T>C variant is predicted to result in the amino acid substitution p.Leu926Ser. To our knowledge, this variant has not been reported in the literature. This variant is reported in 0.00088% of alleles in individuals of European (Non-Finnish) descent in gnomAD. At this time, the clinical significance of this variant is uncertain due to the absence of conclusive functional and genetic evidence.

Women's Health and Genetics/Laboratory Corporation of America, LabCorp
Classification: Uncertain significance. Last evaluated: 2023-06-09. Review status: criteria provided, single submitter. Criteria: LabCorp Variant Classification Summary - May 2015. Collection method: clinical testing. Allele origin: germline.
Comment: Variant summary: CFTR c.2777T>C (p.Leu926Ser) results in a non-conservative amino acid change in the encoded protein sequence. Five of five in-silico tools predict a damaging effect of the variant on protein function. The variant allele was found at a frequency of 4e-06 in 251416 control chromosomes (gnomAD). The available data on variant occurrences in the general population are insufficient to allow any conclusion about variant significance. To our knowledge, no occurrence of c.2777T>C in individuals affected with Chronic Pancreatitis Risk and no experimental evidence demonstrating its impact on protein function have been reported. Five clinical diagnostic laboratories have submitted clinical-significance assessments for this variant to ClinVar after 2014, and classified it as uncertain significance. Based on the evidence outlined above, the variant was classified as uncertain significance.

Ambry Genetics
Classification: Uncertain significance for Cystic fibrosis. Last evaluated: 2023-05-08. Review status: criteria provided, single submitter. Criteria: Ambry Variant Classification Scheme 2023. Collection method: clinical testing. Allele origin: germline.
Comment: The p.L926S variant (also known as c.2777T>C), located in coding exon 17 of the CFTR gene, results from a T to C substitution at nucleotide position 2777. The leucine at codon 926 is replaced by serine, an amino acid with dissimilar properties. This amino acid position is not well conserved in available vertebrate species. In addition, the in silico prediction for this alteration is inconclusive. Since supporting evidence is limited at this time, the clinical significance of this alteration remains unclear.

Genome-Nilou Lab
Classification: Uncertain significance for Cystic fibrosis. Last evaluated: 2021-09-05. Review status: criteria provided, single submitter. Criteria: ACMG Guidelines, 2015. Collection method: clinical testing. Allele origin: germline. Affected: no.

Labcorp Genetics (formerly Invitae), Labcorp
Classification: Uncertain significance for Cystic fibrosis. Last evaluated: 2021-08-31. Review status: criteria provided, single submitter. Criteria: Invitae Variant Classification Sherloc (09022015). Collection method: clinical testing. Allele origin: germline.
Comment: This sequence change replaces leucine with serine at codon 926 of the CFTR protein (p.Leu926Ser). The leucine residue is moderately conserved and there is a large physicochemical difference between leucine and serine. This variant is present in population databases (rs757410423, ExAC 0.001%). This variant has not been reported in the literature in individuals affected with CFTR-related conditions. ClinVar contains an entry for this variant (Variation ID: 939756). Algorithms developed to predict the effect of missense changes on protein structure and function are either unavailable or do not agree on the potential impact of this missense change (SIFT: "Deleterious"; PolyPhen-2: "Benign"; Align-GVGD: "Class C35"). In summary, the available evidence is currently insufficient to determine the role of this variant in disease. Therefore, it has been classified as a Variant of Uncertain Significance.

ARUP Laboratories, Molecular Genetics and Genomics, ARUP Laboratories
Classification: Uncertain significance. Last evaluated: 2020-01-10. Review status: criteria provided, single submitter. Criteria: ARUP Molecular Germline Variant Investigation Process. Collection method: clinical testing. Allele origin: germline.
Comment: The CFTR c.2777T>C; p.Leu926Ser variant (rs757410423), to our knowledge, is not reported in the medical literature or gene-specific databases. This variant is found on a single chromosome in the Genome Aggregation Database (1/251416 alleles), indicating it is not a common polymorphism. The leucine at codon 926 is highly conserved, but computational analyses (SIFT: tolerated, PolyPhen-2: damaging) predict conflicting effects of this variant on protein structure/function. However, due to limited information, the clinical significance of the p.Leu926Ser variant is uncertain at this time.

Natera, Inc.
Classification: Uncertain significance for CFTR-related disorders. Last evaluated: 2018-06-06. Review status: no assertion criteria provided. Collection method: clinical testing. Allele origin: germline. Not counted in ClinVar's aggregate classification.

NM_000492.4(CFTR):c.2777T>C (p.Leu926Ser)

Gene: CFTR (CF transmembrane conductance regulator; plus strand). Cytogenetic location: 7q31.2.
Variant type: single nucleotide variant.
Coding change: c.2777T>C on transcript NM_000492.4 (MANE Select); coding-DNA position 2777, T replaced by C.
Protein change: p.Leu926Ser; replaces leucine 926 with serine.
Molecular consequence: missense variant.
Genome position (GRCh38, 1-based): chr7:117,603,651, T>C. VCF-style: chr7-117603651-T-C. GRCh37 (hg19) VCF-style: chr7-117243705-T-C.
Other names: short protein forms L926S.
Identifiers: ClinVar variation 939756 (VCV000939756.18), dbSNP rs757410423, ClinGen allele CA4451286.